The following is an entry in ClinVar:

ClinVar aggregate classification (germline): Uncertain significance. Review status: criteria provided, multiple submitters, no conflicts (2 of 4 stars). 3 submissions from 3 submitters: Uncertain significance (3). Last evaluated 2023-08-11.

Conditions:
Hereditary cancer-predisposing syndrome. Also called: Hereditary neoplastic syndrome; Neoplastic Syndromes, Hereditary; Tumor predisposition; Hereditary Cancer Syndrome. Identifiers: Orphanet 140162, MedGen C0027672, MeSH D009386, MONDO:0015356.
Neurofibromatosis, type 1 (NF1). Also called: VON RECKLINGHAUSEN DISEASE; Peripheral type neurofibromatosis; NEUROFIBROMATOSIS, TYPE I, SOMATIC; Neurofibromatosis, type I. Identifiers: Orphanet 636, MedGen C0027831, MONDO:0018975, OMIM 162200. Disease mechanism: loss of function.

Submissions (3):

Labcorp Genetics (formerly Invitae), Labcorp
Classification: Uncertain significance for Neurofibromatosis, type 1. Last evaluated: 2023-08-11. Review status: criteria provided, single submitter. Criteria: Invitae Variant Classification Sherloc (09022015). Collection method: clinical testing. Allele origin: germline.
Comment: This sequence change replaces aspartic acid, which is acidic and polar, with valine, which is neutral and non-polar, at codon 1322 of the NF1 protein (p.Asp1322Val). In summary, the available evidence is currently insufficient to determine the role of this variant in disease. Therefore, it has been classified as a Variant of Uncertain Significance. Advanced modeling of protein sequence and biophysical properties (such as structural, functional, and spatial information, amino acid conservation, physicochemical variation, residue mobility, and thermodynamic stability) performed at Invitae indicates that this missense variant is expected to disrupt NF1 protein function. ClinVar contains an entry for this variant (Variation ID: 481875). This variant has not been reported in the literature in individuals affected with NF1-related conditions. This variant is not present in population databases (gnomAD no frequency).

Genome-Nilou Lab
Classification: Uncertain significance for Neurofibromatosis, type 1. Last evaluated: 2022-03-15. Review status: criteria provided, single submitter. Criteria: ACMG Guidelines, 2015. Collection method: clinical testing. Allele origin: germline. Affected: no.

Ambry Genetics
Classification: Uncertain significance for Hereditary cancer-predisposing syndrome. Last evaluated: 2016-01-21. Review status: criteria provided, single submitter. Criteria: Ambry Autosomal Dominant and X-Linked criteria (10/2015). Collection method: clinical testing. Allele origin: germline. Observed: 1 variant allele.
Comment: The p.D1322V variant (also known as c.3965A>T), located in coding exon 29 of the NF1 gene, results from an A to T substitution at nucleotide position 3965. The aspartic acid at codon 1322 is replaced by valine, an amino acid with highly dissimilar properties. This variant was not reported in population based cohorts in the following databases: Database of Single Nucleotide Polymorphisms (dbSNP), NHLBI Exome Sequencing Project (ESP), and 1000 Genomes Project. In the ESP, this variant was not observed in 6503 samples (13006 alleles) with coverage at this position. To date, this alteration has been detected with an allele frequency of approximately 0.001% (greater than 110000alleles tested) in our clinical cohort.This amino acid position is highly conserved in available vertebrate species. In addition, this alteration is predicted to be deleterious by in silico analysis.Since supporting evidence is limited at this time, the clinical significance of this alterationremains unclear.

NM_001042492.3(NF1):c.3965A>T (p.Asp1322Val)

Gene: NF1 (neurofibromin 1; plus strand). Cytogenetic location: 17q11.2.
Variant type: single nucleotide variant.
Coding change: c.3965A>T on transcript NM_001042492.3 (MANE Select); coding-DNA position 3965, A replaced by T.
Protein change: p.Asp1322Val; replaces aspartic acid 1322 with valine.
Molecular consequence: missense variant.
Genome position (GRCh38, 1-based): chr17:31,236,012, A>T. VCF-style: chr17-31236012-A-T. GRCh37 (hg19) VCF-style: chr17-29563030-A-T.
Other names: c.3965A>T, p.Asp1322Val (NM_000267.4); short protein forms D1322V.
Identifiers: ClinVar variation 481875 (VCV000481875.9), dbSNP rs1555615565, ClinGen allele CA398993323.
Genomic context (GRCh38, chr17:31,236,012, plus strand): 5'-ATCCTTTATTACGAATTGTGATCACATCCTCTGATTGGCAACATGTTAGCTTTGAAGTGG[A>T]TCCTACCAGGTTTGTCATCTTTTCACATAGAACCGCTGTTTTTTGTTTTTTTTTTTTTGT-3'
Protein context (NP_001035957.1, residues 1312-1332): SDWQHVSFEV[Asp1322Val]PTRLEPSESL